The following is an entry in ClinVar:

ClinVar aggregate classification (germline): Likely benign (0 of 4 stars; one submission).

Conditions:
PLXNA3-related disorder. Also called: PLXNA3-related condition.

gnomAD v4.1: 11 of 1,163,703 alleles (0.00095%); highest among the groups gnomAD compares: African/African-American, 0.0054%; no homozygotes.

Submission:

PreventionGenetics, part of Exact Sciences
Classification: Likely benign for PLXNA3-related condition. Last evaluated: 2024-08-19. Review status: no assertion criteria provided. Collection method: clinical testing. Allele origin: germline.
Comment: This variant is classified as likely benign based on ACMG/AMP sequence variant interpretation guidelines (Richards et al. 2015 PMID: 25741868, with internal and published modifications).

NM_017514.5(PLXNA3):c.1548-7C>T

Gene: PLXNA3 (plexin A3; plus strand). Cytogenetic location: Xq28.
Variant type: single nucleotide variant.
Coding change: c.1548-7C>T on transcript NM_017514.5 (MANE Select); 7 bases into the intron before coding-DNA position 1548, C replaced by T.
Molecular consequence: intron variant.
Genome position (GRCh38, 1-based): chrX:154,463,944, C>T. VCF-style: chrX-154463944-C-T. GRCh37 (hg19) VCF-style: chrX-153692287-C-T.
Identifiers: ClinVar variation 3353434 (VCV003353434.1).
Genomic context (GRCh38, chrX:154,463,944, plus strand): 5'-GTGAGCTGGACAGGCCTGGGCCCTCCCGGGGCAGTGGCGGGACCGGCTCTGGCCCGACCC[C>T]GTGCAGGTGCTGCCGCGAAGGGGCCTGTCTGGGCGCCTCTGCCCCACACGGCTTTGCTGA-3'